The following is an entry in ClinVar:

ClinVar aggregate classification (germline): Uncertain significance (1 of 4 stars; one submission).

Submission:

Labcorp Genetics (formerly Invitae), Labcorp
Classification: Uncertain significance. Last evaluated: 2024-01-17. Review status: criteria provided, single submitter. Criteria: Invitae Variant Classification Sherloc (09022015). Collection method: clinical testing. Allele origin: germline.
Comment: This sequence change replaces histidine, which is basic and polar, with tyrosine, which is neutral and polar, at codon 260 of the RNF13 protein (p.His260Tyr). This variant is not present in population databases (gnomAD no frequency). This variant has not been reported in the literature in individuals affected with RNF13-related conditions. Advanced modeling of protein sequence and biophysical properties (such as structural, functional, and spatial information, amino acid conservation, physicochemical variation, residue mobility, and thermodynamic stability) performed at Invitae indicates that this missense variant is expected to disrupt RNF13 protein function with a positive predictive value of 80%. In summary, the available evidence is currently insufficient to determine the role of this variant in disease. Therefore, it has been classified as a Variant of Uncertain Significance.

NM_183381.3(RNF13):c.778C>T (p.His260Tyr)

Gene: RNF13 (ring finger protein 13; plus strand). Cytogenetic location: 3q25.1.
Variant type: single nucleotide variant.
Coding change: c.778C>T on transcript NM_183381.3 (MANE Select); coding-DNA position 778, C replaced by T.
Protein change: p.His260Tyr; replaces histidine 260 with tyrosine.
Molecular consequence: missense variant. On other transcripts: non-coding transcript variant (1).
Genome position (GRCh38, 1-based): chr3:149,960,133, C>T. VCF-style: chr3-149960133-C-T. GRCh37 (hg19) VCF-style: chr3-149677920-C-T.
Other names: c.778C>T, p.His260Tyr (NM_001378285.1, NM_001378286.1, NM_007282.4); c.421C>T, p.His141Tyr (NM_001378287.1, NM_001378288.1, NM_001378289.1 and 2 more transcripts); c.385C>T, p.His129Tyr (NM_001378291.1); short protein forms H260Y, H129Y, H141Y.
Identifiers: ClinVar variation 2709825 (VCV002709825.3), dbSNP rs2473631729, ClinGen allele CA354935294.
Genomic context (GRCh38, chr3:149,960,133, plus strand): 5'-TGTGCCATTTGTTTGGATGAGTATGAAGATGGAGACAAACTCAGAATCCTTCCCTGTTCC[C>T]ATGGTATGAGTAATTACGTACTGCTTTGAATTTACATATAGTAATTTATATTTAGGTTCC-3'
Protein context (NP_899237.1, residues 250-270): GDKLRILPCS[His260Tyr]AYHCKCVDPW